The following is an entry in ClinVar:

ClinVar aggregate classification (germline): Conflicting classifications of pathogenicity. Review status: criteria provided, conflicting classifications (1 of 4 stars). 2 submissions from 2 submitters: Uncertain significance (1); Likely benign (1). Last evaluated 2025-09-28.

Conditions:
DNAAF5-related disorder. Also called: DNAAF5-related condition.
Primary ciliary dyskinesia. Also called: Ciliary dyskinesia. Identifiers: Orphanet 244, MedGen C0008780, MONDO:0016575, HP:0012265.

gnomAD v4.1: 19 of 1,612,622 alleles (0.0012%); highest among the groups gnomAD compares: East Asian, 0.0045%; no homozygotes.

Submissions (2):

PreventionGenetics, part of Exact Sciences
Classification: Uncertain significance for DNAAF5-related condition. Last evaluated: 2025-09-28. Review status: criteria provided, single submitter. Criteria: ACMG Guidelines, 2015. Collection method: clinical testing. Allele origin: germline.
Comment: The DNAAF5 c.1028G>A variant is predicted to result in the amino acid substitution p.Arg343His. To our knowledge, this variant has not been reported in the literature. This variant is reported in 0.0054% of alleles in individuals of East Asian descent in gnomAD. At this time, the clinical significance of this variant is uncertain due to the absence of conclusive functional and genetic evidence.

Ambry Genetics
Classification: Likely benign for Primary ciliary dyskinesia. Last evaluated: 2024-04-19. Review status: criteria provided, single submitter. Criteria: Ambry Variant Classification Scheme 2023. Collection method: clinical testing. Allele origin: germline.

NM_017802.4(DNAAF5):c.1028G>A (p.Arg343His)

Gene: DNAAF5 (dynein axonemal assembly factor 5; plus strand). Cytogenetic location: 7p22.3.
Variant type: single nucleotide variant.
Coding change: c.1028G>A on transcript NM_017802.4 (MANE Select); coding-DNA position 1028, G replaced by A.
Protein change: p.Arg343His; replaces arginine 343 with histidine.
Molecular consequence: missense variant. On other transcripts: non-coding transcript variant (1).
Genome position (GRCh38, 1-based): chr7:754,592, G>A. VCF-style: chr7-754592-G-A. GRCh37 (hg19) VCF-style: chr7-794229-G-A.
Other names: short protein forms R343H.
Identifiers: ClinVar variation 3272530 (VCV003272530.2).